The following is an entry in ClinVar:

ClinVar aggregate classification (germline): Uncertain significance. Review status: criteria provided, multiple submitters, no conflicts (2 of 4 stars). 3 submissions from 3 submitters: Uncertain significance (3). Last evaluated 2024-11-22.

Conditions:
Hereditary cancer-predisposing syndrome. Also called: Neoplastic Syndromes, Hereditary; Tumor predisposition; Hereditary Cancer Syndrome; Hereditary neoplastic syndrome. Identifiers: Orphanet 140162, MedGen C0027672, MeSH D009386, MONDO:0015356.
Lynch syndrome. Identifiers: Orphanet 144, MedGen C4552100, MONDO:0005835. Disease mechanism: loss of function.
Hereditary nonpolyposis colorectal neoplasms. Identifiers: MedGen C0009405, MeSH D003123.

Allele frequency attached by ClinVar (database versions not stated): TOPMed below 0.00001.

Submissions (3):

Ambry Genetics
Classification: Uncertain significance for Hereditary cancer-predisposing syndrome. Last evaluated: 2024-11-22. Review status: criteria provided, single submitter. Criteria: Ambry Variant Classification Scheme 2023. Collection method: clinical testing. Allele origin: germline.
Comment: The p.A729V variant (also known as c.2186C>T), located in coding exon 4 of the MSH6 gene, results from a C to T substitution at nucleotide position 2186. The alanine at codon 729 is replaced by valine, an amino acid with similar properties. This amino acid position is poorly conserved in available vertebrate species. In addition, this alteration is predicted to be tolerated by in silico analysis. Since supporting evidence is limited at this time, the clinical significance of this alteration remains unclear.

Labcorp Genetics (formerly Invitae), Labcorp
Classification: Uncertain significance for Hereditary nonpolyposis colorectal neoplasms. Last evaluated: 2024-08-06. Review status: criteria provided, single submitter. Criteria: Invitae Variant Classification Sherloc (09022015). Collection method: clinical testing. Allele origin: germline.
Comment: This sequence change replaces alanine, which is neutral and non-polar, with valine, which is neutral and non-polar, at codon 729 of the MSH6 protein (p.Ala729Val). This variant is not present in population databases (gnomAD no frequency). This variant has not been reported in the literature in individuals affected with MSH6-related conditions. ClinVar contains an entry for this variant (Variation ID: 483778). Advanced modeling of protein sequence and biophysical properties (such as structural, functional, and spatial information, amino acid conservation, physicochemical variation, residue mobility, and thermodynamic stability) performed at Invitae indicates that this missense variant is not expected to disrupt MSH6 protein function with a negative predictive value of 95%. In summary, the available evidence is currently insufficient to determine the role of this variant in disease. Therefore, it has been classified as a Variant of Uncertain Significance.

All of Us Research Program, National Institutes of Health
Classification: Uncertain significance for Lynch syndrome. Last evaluated: 2023-11-20. Review status: criteria provided, single submitter. Criteria: ACMG Guidelines, 2015. Collection method: clinical testing. Allele origin: germline. Inheritance: Autosomal dominant inheritance. Observed: 1 variant allele, 1 heterozygote.
Comment: This missense variant replaces alanine with valine at codon 729 of the MSH6 protein. Computational prediction suggests that this variant may not impact protein structure and function (internally defined REVEL score threshold <= 0.5, PMID: 27666373). To our knowledge, functional studies have not been reported for this variant. This variant has not been reported in individuals affected with MSH6-related disorders in the literature. This variant has not been identified in the general population by the Genome Aggregation Database (gnomAD). The available evidence is insufficient to determine the role of this variant in disease conclusively. Therefore, this variant is classified as a Variant of Uncertain Significance.

This study involves interpretation of variants in research participants for the purpose of population health screening. Participant phenotype was not available at the time of variant classification. Additional details can be found in publication PMID: 35346344, PMCID: PMC8962531

NM_000179.3(MSH6):c.2186C>T (p.Ala729Val)

Gene: MSH6 (mutS homolog 6; plus strand). Cytogenetic location: 2p16.3.
Variant type: single nucleotide variant.
Coding change: c.2186C>T on transcript NM_000179.3 (MANE Select); coding-DNA position 2186, C replaced by T.
Protein change: p.Ala729Val; replaces alanine 729 with valine.
Molecular consequence: missense variant.
Genome position (GRCh38, 1-based): chr2:47,800,169, C>T. VCF-style: chr2-47800169-C-T. GRCh37 (hg19) VCF-style: chr2-48027308-C-T.
Other names: c.1796C>T, p.Ala599Val (NM_001281492.2); c.1280C>T, p.Ala427Val (NM_001281493.2, NM_001281494.2); short protein forms A729V, A427V, A599V.
Identifiers: ClinVar variation 483778 (VCV000483778.15), dbSNP rs1553413553, ClinGen allele CA346751247.